The following is an entry in ClinVar:

NM_001366145.2(TRPM3):c.3174C>A (p.Tyr1058Ter)

Gene: TRPM3 (transient receptor potential cation channel subfamily M member 3; minus strand). Cytogenetic location: 9q21.12.
Variant type: single nucleotide variant.
Coding change: c.3174C>A on transcript NM_001366145.2 (MANE Select); coding-DNA position 3174, C replaced by A.
Protein change: p.Tyr1058Ter; replaces tyrosine 1058 with a stop codon.
Molecular consequence: nonsense.
Genome position (GRCh38, 1-based): chr9:70,591,080, G>T on the plus strand (C>A on the coding strand, the complement: TRPM3 is on the minus strand). VCF-style: chr9-70591080-G-T. GRCh37 (hg19) VCF-style: chr9-73205996-G-T.
Other names: c.3138C>A, p.Tyr1046Ter (NM_001007471.4, NM_001366151.2); c.3144C>A, p.Tyr1048Ter (NM_001366141.2, NM_001366143.2, NM_001366149.2); c.3180C>A, p.Tyr1060Ter (NM_001366142.2); c.3174C>A, p.Tyr1058Ter (NM_001366146.2); c.3249C>A, p.Tyr1083Ter (NM_001366147.2, NM_001366152.2); c.3219C>A, p.Tyr1073Ter (NM_001366148.2); c.3108C>A, p.Tyr1036Ter (NM_001366150.2); c.2715C>A, p.Tyr905Ter (NM_001366154.2, NM_024971.7); and 5 more; short protein forms Y1036*, Y1046*, Y1048*, Y1058*, Y1060*, Y1073*, Y1083*, Y883*.
Identifiers: ClinVar variation 4530729 (VCV004530729.1).

ClinVar aggregate classification (germline): Uncertain significance (1 of 4 stars; one submission).

Submission:

GeneDx
Classification: Uncertain significance. Last evaluated: 2025-05-22. Review status: criteria provided, single submitter. Criteria: GeneDx Variant Classification Process June 2021. Collection method: clinical testing. Allele origin: germline. Affected: yes.
Comment: Nonsense variant predicted to result in protein truncation or nonsense mediated decay in a gene or region of a gene for which loss of function is not a well-established mechanism of disease; Not observed at significant frequency in large population cohorts (gnomAD); Has not been previously published as pathogenic or benign to our knowledge